The following is an entry in ClinVar:

ClinVar aggregate classification (germline): Uncertain significance (1 of 4 stars; one submission).

Conditions:
Werner syndrome (WRN). Identifiers: Orphanet 902, MedGen C0043119, MONDO:0010196, OMIM 277700.

gnomAD v4.1: 2 of 1,613,934 alleles (0.00012%); highest among the groups gnomAD compares: Non-Finnish European, 0.00017%; no homozygotes.

Submission:

Labcorp Genetics (formerly Invitae), Labcorp
Classification: Uncertain significance for Werner syndrome. Last evaluated: 2024-01-08. Review status: criteria provided, single submitter. Criteria: Invitae Variant Classification Sherloc (09022015). Collection method: clinical testing. Allele origin: germline.
Comment: This sequence change replaces lysine, which is basic and polar, with glutamic acid, which is acidic and polar, at codon 252 of the WRN protein (p.Lys252Glu). This variant is not present in population databases (gnomAD no frequency). This variant has not been reported in the literature in individuals affected with WRN-related conditions. ClinVar contains an entry for this variant (Variation ID: 839463). An algorithm developed to predict the effect of missense changes on protein structure and function (PolyPhen-2) suggests that this variant is likely to be tolerated. In summary, the available evidence is currently insufficient to determine the role of this variant in disease. Therefore, it has been classified as a Variant of Uncertain Significance.

NM_000553.6(WRN):c.754A>G (p.Lys252Glu)

Gene: WRN (WRN RecQ like helicase; plus strand). Cytogenetic location: 8p12.
Variant type: single nucleotide variant.
Coding change: c.754A>G on transcript NM_000553.6 (MANE Select); coding-DNA position 754, A replaced by G.
Protein change: p.Lys252Glu; replaces lysine 252 with glutamic acid.
Molecular consequence: missense variant.
Genome position (GRCh38, 1-based): chr8:31,076,202, A>G. VCF-style: chr8-31076202-A-G. GRCh37 (hg19) VCF-style: chr8-30933718-A-G.
Other names: short protein forms K252E.
Identifiers: ClinVar variation 839463 (VCV000839463.5), dbSNP rs751986285, ClinGen allele CA370918407.